The following is an entry in ClinVar:

NM_022124.6(CDH23):c.7513T>C (p.Cys2505Arg)

Gene: CDH23 (cadherin related 23; plus strand). Cytogenetic location: 10q22.1.
Variant type: single nucleotide variant.
Coding change: c.7513T>C on transcript NM_022124.6 (MANE Select); coding-DNA position 7513, T replaced by C.
Protein change: p.Cys2505Arg; replaces cysteine 2505 with arginine.
Molecular consequence: missense variant.
Genome position (GRCh38, 1-based): chr10:71,802,928, T>C. VCF-style: chr10-71802928-T-C. GRCh37 (hg19) VCF-style: chr10-73562685-T-C.
Other names: c.793T>C, p.Cys265Arg (NM_001171933.1, NM_001171934.1); short protein forms C2505R, C265R.
Identifiers: ClinVar variation 1714525 (VCV001714525.5), dbSNP rs2494416171, ClinGen allele CA377160393.

ClinVar aggregate classification (germline): Uncertain significance (1 of 4 stars; one submission).

Submission:

Labcorp Genetics (formerly Invitae), Labcorp
Classification: Uncertain significance. Last evaluated: 2022-07-30. Review status: criteria provided, single submitter. Criteria: Invitae Variant Classification Sherloc (09022015). Collection method: clinical testing. Allele origin: germline.
Comment: In summary, the available evidence is currently insufficient to determine the role of this variant in disease. Therefore, it has been classified as a Variant of Uncertain Significance. Algorithms developed to predict the effect of missense changes on protein structure and function are either unavailable or do not agree on the potential impact of this missense change (SIFT: "Deleterious"; PolyPhen-2: "Not Available"; Align-GVGD: "Class C0"). This variant has not been reported in the literature in individuals affected with CDH23-related conditions. This variant is not present in population databases (gnomAD no frequency). This sequence change replaces cysteine, which is neutral and slightly polar, with arginine, which is basic and polar, at codon 2505 of the CDH23 protein (p.Cys2505Arg).